The following is an entry in ClinVar:

ClinVar aggregate classification (germline): Likely benign. Review status: criteria provided, multiple submitters, no conflicts (2 of 4 stars). 2 submissions from 2 submitters: Likely benign (2). Last evaluated 2023-01-24.

Allele frequency attached by ClinVar (database versions not stated): gnomAD 0.00001; TOPMed 0.00001.
gnomAD v4.1: 6 of 1,613,958 alleles (0.00037%); highest among the groups gnomAD compares: Non-Finnish European, 0.00051%; no homozygotes.

Submissions (2):

Labcorp Genetics (formerly Invitae), Labcorp
Classification: Likely benign. Last evaluated: 2023-01-24. Review status: criteria provided, single submitter. Criteria: Invitae Variant Classification Sherloc (09022015). Collection method: clinical testing. Allele origin: germline.

GeneDx
Classification: Likely benign. Last evaluated: 2018-04-09. Review status: criteria provided, single submitter. Criteria: GeneDx Variant Classification (06012015). Collection method: clinical testing. Allele origin: germline. Affected: yes.
Comment: This variant is considered likely benign or benign based on one or more of the following criteria: it is a conservative change, it occurs at a poorly conserved position in the protein, it is predicted to be benign by multiple in silico algorithms, and/or has population frequency not consistent with disease.

NM_022124.6(CDH23):c.5604C>T (p.Ser1868=)

Gene: CDH23 (cadherin related 23; plus strand). Cytogenetic location: 10q22.1.
Variant type: single nucleotide variant.
Coding change: c.5604C>T on transcript NM_022124.6 (MANE Select); coding-DNA position 5604, C replaced by T.
Protein change: p.Ser1868=; no amino-acid change (serine 1868 retained).
Molecular consequence: synonymous variant.
Genome position (GRCh38, 1-based): chr10:71,784,992, C>T. VCF-style: chr10-71784992-C-T. GRCh37 (hg19) VCF-style: chr10-73544749-C-T.
Identifiers: ClinVar variation 681153 (VCV000681153.8), dbSNP rs1589419937, ClinGen allele CA470060745.